The following is an entry in ClinVar:

NM_022168.4(IFIH1):c.3010G>T (p.Val1004Leu)

Gene: IFIH1 (interferon induced with helicase C domain 1; minus strand). Cytogenetic location: 2q24.2.
Variant type: single nucleotide variant.
Coding change: c.3010G>T on transcript NM_022168.4 (MANE Select); coding-DNA position 3010, G replaced by T.
Protein change: p.Val1004Leu; replaces valine 1004 with leucine.
Molecular consequence: missense variant.
Genome position (GRCh38, 1-based): chr2:162,267,268, C>A on the plus strand (G>T on the coding strand, the complement: IFIH1 is on the minus strand). VCF-style: chr2-162267268-C-A. GRCh37 (hg19) VCF-style: chr2-163123778-C-A.
Other names: short protein forms V1004L.
Identifiers: ClinVar variation 4071824 (VCV004071824.1).

ClinVar aggregate classification (germline): Uncertain significance (1 of 4 stars; one submission).

Submission:

GeneDx
Classification: Uncertain significance. Last evaluated: 2025-01-23. Review status: criteria provided, single submitter. Criteria: GeneDx Variant Classification Process June 2021. Collection method: clinical testing. Allele origin: germline. Affected: yes.
Comment: Not observed at significant frequency in large population cohorts (gnomAD); In silico analysis indicates that this missense variant does not alter protein structure/function; Has not been previously published as pathogenic or benign to our knowledge